The following is an entry in ClinVar:

ClinVar aggregate classification (germline): Likely benign. Review status: criteria provided, multiple submitters, no conflicts (2 of 4 stars). 2 submissions from 2 submitters: Likely benign (2). Last evaluated 2022-09-01.

Conditions:
Mitochondrial DNA depletion syndrome 9 (MTDPS9). Also called: SUCLG1-Related Mitochondrial DNA Depletion Syndrome, Encephalomyopathic Form with Methylmalonic Aciduria. Identifiers: Orphanet 17, MedGen C3151476, MONDO:0009504, OMIM 245400.

Allele frequency attached by ClinVar (database versions not stated): gnomAD exomes below 0.00001; TOPMed below 0.00001; ExAC 0.00001; gnomAD 0.00001; ESP Exome Variant Server 0.00008.

Submissions (2):

CeGaT Center for Human Genetics Tuebingen
Classification: Likely benign. Last evaluated: 2022-09-01. Review status: criteria provided, single submitter. Criteria: CeGaT Center For Human Genetics Tuebingen Variant Classification Criteria Version 2. Collection method: clinical testing. Allele origin: germline. Affected: yes. Observed: 1 variant allele.
Comment: SUCLG1: BP4, BP7

Labcorp Genetics (formerly Invitae), Labcorp
Classification: Likely benign for Mitochondrial DNA depletion syndrome 9. Last evaluated: 2022-08-09. Review status: criteria provided, single submitter. Criteria: Invitae Variant Classification Sherloc (09022015). Collection method: clinical testing. Allele origin: germline.

NM_003849.4(SUCLG1):c.234T>C (p.Tyr78=)

Gene: SUCLG1 (succinate-CoA ligase GDP/ADP-forming subunit alpha; minus strand). Cytogenetic location: 2p11.2.
Variant type: single nucleotide variant.
Coding change: c.234T>C on transcript NM_003849.4 (MANE Select); coding-DNA position 234, T replaced by C.
Protein change: p.Tyr78=; no amino-acid change (tyrosine 78 retained).
Molecular consequence: synonymous variant.
Genome position (GRCh38, 1-based): chr2:84,443,368, A>G on the plus strand (T>C on the coding strand, the complement: SUCLG1 is on the minus strand). VCF-style: chr2-84443368-A-G. GRCh37 (hg19) VCF-style: chr2-84670492-A-G.
Identifiers: ClinVar variation 1583738 (VCV001583738.32), dbSNP rs141150411, ClinGen allele CA1736373.
Genomic context (GRCh38, chr2:84,443,368, plus strand): 5'-TAAGCCCAGATGTGTCTGGCCTCCTTTCCCTGGAGTGGTTCCTCCAACGAGTTTGGTGCC[A>G]TATTCCAATGCCTGCTGGCTGTGAAAGGTGCCCTGAGGGGAAAAAGCACAAGATCCATGA-3'
Protein context (NP_003840.2, residues 68-88): GTFHSQQALE[Tyr78=]GTKLVGGTTP